The following is an entry in ClinVar:

ClinVar aggregate classification (germline): Uncertain significance (1 of 4 stars; one submission).

Allele frequency attached by ClinVar (database versions not stated): gnomAD exomes below 0.00001.
gnomAD v4.1: 1 of 1,614,226 alleles (0.000062%); highest among the groups gnomAD compares: Non-Finnish European, 0.000085%; no homozygotes.

Submission:

Labcorp Genetics (formerly Invitae), Labcorp
Classification: Uncertain significance. Last evaluated: 2023-06-21. Review status: criteria provided, single submitter. Criteria: Invitae Variant Classification Sherloc (09022015). Collection method: clinical testing. Allele origin: germline.
Comment: In summary, the available evidence is currently insufficient to determine the role of this variant in disease. Therefore, it has been classified as a Variant of Uncertain Significance. Advanced modeling of protein sequence and biophysical properties (such as structural, functional, and spatial information, amino acid conservation, physicochemical variation, residue mobility, and thermodynamic stability) performed at Invitae indicates that this missense variant is not expected to disrupt COL4A3 protein function. This variant has not been reported in the literature in individuals affected with COL4A3-related conditions. This variant is not present in population databases (gnomAD no frequency). This sequence change replaces threonine, which is neutral and polar, with alanine, which is neutral and non-polar, at codon 1442 of the COL4A3 protein (p.Thr1442Ala).

NM_000091.5(COL4A3):c.4324A>G (p.Thr1442Ala)

Genes: COL4A3 (collagen type IV alpha 3 chain; plus strand), MFF-DT (MFF divergent transcript; minus strand). Cytogenetic location: 2q36.3.
Variant type: single nucleotide variant.
Coding change: c.4324A>G on transcript NM_000091.5 (MANE Select); coding-DNA position 4324, A replaced by G.
Protein change: p.Thr1442Ala; replaces threonine 1442 with alanine.
Molecular consequence: missense variant.
Genome position (GRCh38, 1-based): chr2:227,307,781, A>G. VCF-style: chr2-227307781-A-G. GRCh37 (hg19) VCF-style: chr2-228172497-A-G.
Other names: short protein forms T1442A.
Identifiers: ClinVar variation 2959847 (VCV002959847.3), dbSNP rs2469931182, ClinGen allele CA350864249.